The following is an entry in ClinVar:

NM_001330078.2(NRXN1):c.622C>G (p.Pro208Ala)

Gene: NRXN1 (neurexin 1; minus strand). Cytogenetic location: 2p16.3.
Variant type: single nucleotide variant.
Coding change: c.622C>G on transcript NM_001330078.2 (MANE Select); coding-DNA position 622, C replaced by G.
Protein change: p.Pro208Ala; replaces proline 208 with alanine.
Molecular consequence: missense variant.
Genome position (GRCh38, 1-based): chr2:51,027,652, G>C on the plus strand (C>G on the coding strand, the complement: NRXN1 is on the minus strand). VCF-style: chr2-51027652-G-C. GRCh37 (hg19) VCF-style: chr2-51254790-G-C.
Other names: c.622C>G, p.Pro208Ala (NM_001135659.3, NM_001330077.2, NM_001330079.2 and 15 more transcripts); short protein forms P208A.
Identifiers: ClinVar variation 1217974 (VCV001217974.11), dbSNP rs200171245, ClinGen allele CA1655443.

ClinVar aggregate classification (germline): Conflicting classifications of pathogenicity. Review status: criteria provided, conflicting classifications (1 of 4 stars). 3 submissions from 3 submitters: Uncertain significance (2); Likely benign (1). Last evaluated 2026-01-12.

Conditions:
Inborn genetic diseases. Identifiers: MedGen C0950123, MeSH D030342.
Pitt-Hopkins-like syndrome 2 (PTHSL2). Identifiers: Orphanet 221150, Orphanet 600663, MedGen C3280479, MONDO:0013690, OMIM 614325.

Allele frequency attached by ClinVar (database versions not stated): gnomAD 0.00003 and 0.00005; TOPMed 0.00003; gnomAD exomes 0.00004; ExAC 0.00005; ESP Exome Variant Server 0.00008.
gnomAD v4.1: 33 of 1,600,186 alleles (0.0021%); highest among the groups gnomAD compares: Admixed American, 0.0051%; no homozygotes.

Submissions (3):

Labcorp Genetics (formerly Invitae), Labcorp
Classification: Uncertain significance for Pitt-Hopkins-like syndrome 2. Last evaluated: 2026-01-12. Review status: criteria provided, single submitter. Criteria: Invitae Variant Classification Sherloc (09022015). Collection method: clinical testing. Allele origin: germline.
Comment: This sequence change replaces proline, which is neutral and non-polar, with alanine, which is neutral and non-polar, at codon 208 of the NRXN1 protein (p.Pro208Ala). This variant is present in population databases (rs200171245, gnomAD 0.009%). This variant has not been reported in the literature in individuals affected with NRXN1-related conditions. ClinVar contains an entry for this variant (Variation ID: 1217974). An algorithm developed to predict the effect of missense changes on protein structure and function (PolyPhen-2) suggests that this variant is likely to be tolerated. In summary, the available evidence is currently insufficient to determine the role of this variant in disease. Therefore, it has been classified as a Variant of Uncertain Significance.

GeneDx
Classification: Likely benign. Last evaluated: 2021-04-26. Review status: criteria provided, single submitter. Criteria: GeneDx Variant Classification Process June 2021. Collection method: clinical testing. Allele origin: germline. Affected: yes.

Ambry Genetics
Classification: Uncertain significance for Inborn genetic diseases. Last evaluated: 2019-01-05. Review status: criteria provided, single submitter. Criteria: Ambry Variant Classification Scheme 2023. Collection method: clinical testing. Allele origin: germline.
Comment: The p.P208A variant (also known as c.622C>G), located in coding exon 1 of the NRXN1 gene, results from a C to G substitution at nucleotide position 622. The proline at codon 208 is replaced by alanine, an amino acid with highly similar properties. This amino acid position is not well conserved in available vertebrate species. In addition, this alteration is predicted to be tolerated by in silico analysis. Since supporting evidence is limited at this time, the clinical significance of this alteration remains unclear.